The following is an entry in ClinVar:

ClinVar aggregate classification (germline): Uncertain significance (1 of 4 stars; one submission).

Submission:

Labcorp Genetics (formerly Invitae), Labcorp
Classification: Uncertain significance. Last evaluated: 2026-01-08. Review status: criteria provided, single submitter. Criteria: Invitae Variant Classification Sherloc (09022015). Collection method: clinical testing. Allele origin: germline.
Comment: This sequence change replaces leucine, which is neutral and non-polar, with arginine, which is basic and polar, at codon 638 of the NNT protein (p.Leu638Arg). This variant is not present in population databases (gnomAD no frequency). This variant has not been reported in the literature in individuals affected with NNT-related conditions. An algorithm developed to predict the effect of missense changes on protein structure and function (PolyPhen-2) suggests that this variant is likely to be disruptive. In summary, the available evidence is currently insufficient to determine the role of this variant in disease. Therefore, it has been classified as a Variant of Uncertain Significance.

NM_182977.3(NNT):c.1913T>G (p.Leu638Arg)

Gene: NNT (nicotinamide nucleotide transhydrogenase; plus strand). Cytogenetic location: 5p12.
Variant type: single nucleotide variant.
Coding change: c.1913T>G on transcript NM_182977.3 (MANE Select); coding-DNA position 1913, T replaced by G.
Protein change: p.Leu638Arg; replaces leucine 638 with arginine.
Molecular consequence: missense variant.
Genome position (GRCh38, 1-based): chr5:43,653,067, T>G. VCF-style: chr5-43653067-T-G. GRCh37 (hg19) VCF-style: chr5-43653169-T-G.
Other names: c.1520T>G, p.Leu507Arg (NM_001331026.2); c.1913T>G, p.Leu638Arg (NM_012343.4); short protein forms L507R, L638R.
Identifiers: ClinVar variation 4734550 (VCV004734550.1).